The following is an entry in ClinVar:

NM_173354.5(SIK1):c.468G>A (p.Leu156=)

Gene: SIK1 (salt inducible kinase 1; minus strand). Cytogenetic location: 21q22.3.
Variant type: single nucleotide variant.
Coding change: c.468G>A on transcript NM_173354.5 (MANE Select); coding-DNA position 468, G replaced by A.
Protein change: p.Leu156=; no amino-acid change (leucine 156 retained).
Molecular consequence: synonymous variant.
Genome position (GRCh38, 1-based): chr21:43,421,669, C>T on the plus strand (G>A on the coding strand, the complement: SIK1 is on the minus strand). VCF-style: chr21-43421669-C-T. GRCh37 (hg19) VCF-style: chr21-44841549-C-T.
Identifiers: ClinVar variation 1030319 (VCV001030319.13), dbSNP rs2081056659, ClinGen allele CA2391217878.

ClinVar aggregate classification (germline): Conflicting classifications of pathogenicity. Review status: criteria provided, conflicting classifications (1 of 4 stars). 2 submissions from 2 submitters: Uncertain significance (1); Likely benign (1). Last evaluated 2020-07-21.

Conditions:
Developmental and epileptic encephalopathy, 30 (DEE30). Also called: Epileptic encephalopathy, early infantile, 30. Identifiers: MedGen C4225360, MONDO:0014595, OMIM 616341.

Submissions (2):

Baylor Genetics
Classification: Uncertain significance for Developmental and epileptic encephalopathy, 30. Last evaluated: 2020-07-21. Review status: criteria provided, single submitter. Criteria: ACMG Guidelines, 2015. Collection method: clinical testing. Allele origin: de novo. Affected: yes.
Comment: This variant was determined to be of uncertain significance according to ACMG Guidelines, 2015 [PMID:25741868].

Labcorp Genetics (formerly Invitae), Labcorp
Classification: Likely benign for Developmental and epileptic encephalopathy, 30. Last evaluated: 2020-03-24. Review status: criteria provided, single submitter. Criteria: Invitae Variant Classification Sherloc (09022015). Collection method: clinical testing. Allele origin: germline.